The following is an entry in ClinVar:

NM_003896.4(ST3GAL5):c.997G>A (p.Gly333Ser)

Gene: ST3GAL5 (ST3 beta-galactoside alpha-2,3-sialyltransferase 5; minus strand). Cytogenetic location: 2p11.2.
Variant type: single nucleotide variant.
Coding change: c.997G>A on transcript NM_003896.4 (MANE Select); coding-DNA position 997, G replaced by A.
Protein change: p.Gly333Ser; replaces glycine 333 with serine.
Molecular consequence: missense variant. On other transcripts: intron variant (1).
Genome position (GRCh38, 1-based): chr2:85,844,407, C>T on the plus strand (G>A on the coding strand, the complement: ST3GAL5 is on the minus strand). VCF-style: chr2-85844407-C-T. GRCh37 (hg19) VCF-style: chr2-86071530-C-T.
Other names: c.928G>A, p.Gly310Ser (NM_001042437.2); c.613G>A, p.Gly205Ser (NM_001354223.2, NM_001354224.2, NM_001354226.2 and 3 more transcripts); c.913G>A, p.Gly305Ser (NM_001354227.2, NM_001354229.2, NM_001354238.1); c.274G>A, p.Gly92Ser (NM_001354247.1); c.849+1970G>A (NM_001363847.1); short protein forms G333S, G310S, G305S, G92S, G205S.
Identifiers: ClinVar variation 1368703 (VCV001368703.6), dbSNP rs2103935120, ClinGen allele CA347503370.

ClinVar aggregate classification (germline): Uncertain significance (1 of 4 stars; one submission).

Conditions:
GM3 synthase deficiency (SPDRS). Also called: AMISH INFANTILE EPILEPSY SYNDROME; SALT AND PEPPER MENTAL RETARDATION SYNDROME; SALT AND PEPPER DEVELOPMENTAL REGRESSION SYNDROME. Identifiers: Orphanet 171714, Orphanet 370933, MedGen C1836824, MONDO:0018274, OMIM 609056.

gnomAD v4.1: 1 of 1,614,140 alleles (0.000062%); no homozygotes.

Submission:

Labcorp Genetics (formerly Invitae), Labcorp
Classification: Uncertain significance for GM3 synthase deficiency. Last evaluated: 2021-08-03. Review status: criteria provided, single submitter. Criteria: Invitae Variant Classification Sherloc (09022015). Collection method: clinical testing. Allele origin: germline.
Comment: This sequence change replaces glycine with serine at codon 333 of the ST3GAL5 protein (p.Gly333Ser). The glycine residue is highly conserved and there is a small physicochemical difference between glycine and serine. This variant is not present in population databases (ExAC no frequency). This variant has not been reported in the literature in individuals affected with ST3GAL5-related conditions. Algorithms developed to predict the effect of missense changes on protein structure and function (SIFT, PolyPhen-2, Align-GVGD) all suggest that this variant is likely to be disruptive. In summary, the available evidence is currently insufficient to determine the role of this variant in disease. Therefore, it has been classified as a Variant of Uncertain Significance.